The following is an entry in ClinVar:

ClinVar aggregate classification (germline): Uncertain significance. Review status: criteria provided, multiple submitters, no conflicts (2 of 4 stars). 2 submissions from 2 submitters: Uncertain significance (2). Last evaluated 2022-09-07.

Conditions:
Inborn genetic diseases. Identifiers: MedGen C0950123, MeSH D030342.

Allele frequency attached by ClinVar (database versions not stated): ExAC 0.00001; gnomAD 0.00003; TOPMed 0.00003.

Submissions (2):

Labcorp Genetics (formerly Invitae), Labcorp
Classification: Uncertain significance. Last evaluated: 2022-09-07. Review status: criteria provided, single submitter. Criteria: Invitae Variant Classification Sherloc (09022015). Collection method: clinical testing. Allele origin: germline.
Comment: This sequence change replaces arginine, which is basic and polar, with cysteine, which is neutral and slightly polar, at codon 211 of the PLVAP protein (p.Arg211Cys). This variant is present in population databases (rs772839272, gnomAD 0.006%). This variant has not been reported in the literature in individuals affected with PLVAP-related conditions. Algorithms developed to predict the effect of missense changes on protein structure and function are either unavailable or do not agree on the potential impact of this missense change (SIFT: "Deleterious"; PolyPhen-2: "Probably Damaging"; Align-GVGD: "Class C15"). In summary, the available evidence is currently insufficient to determine the role of this variant in disease. Therefore, it has been classified as a Variant of Uncertain Significance.

Ambry Genetics
Classification: Uncertain significance for Inborn genetic diseases. Last evaluated: 2022-07-27. Review status: criteria provided, single submitter. Criteria: Ambry Variant Classification Scheme 2023. Collection method: clinical testing. Allele origin: germline.

NM_031310.3(PLVAP):c.631C>T (p.Arg211Cys)

Gene: PLVAP (plasmalemma vesicle associated protein; minus strand). Cytogenetic location: 19p13.11.
Variant type: single nucleotide variant.
Coding change: c.631C>T on transcript NM_031310.3 (MANE Select); coding-DNA position 631, C replaced by T.
Protein change: p.Arg211Cys; replaces arginine 211 with cysteine.
Molecular consequence: missense variant.
Genome position (GRCh38, 1-based): chr19:17,365,834, G>A on the plus strand (C>T on the coding strand, the complement: PLVAP is on the minus strand). VCF-style: chr19-17365834-G-A. GRCh37 (hg19) VCF-style: chr19-17476643-G-A.
Other names: c.631C>T (NM_031310.1); short protein forms R211C.
Identifiers: ClinVar variation 2270503 (VCV002270503.5), dbSNP rs772839272, ClinGen allele CA9293993.